The following is an entry in ClinVar:

NM_021614.4(KCNN2):c.331T>G (p.Ser111Ala)

Gene: KCNN2 (potassium calcium-activated channel subfamily N member 2; plus strand). Cytogenetic location: 5q22.3.
Variant type: single nucleotide variant.
Coding change: c.331T>G on transcript NM_021614.4 (MANE Select); coding-DNA position 331, T replaced by G.
Protein change: p.Ser111Ala; replaces serine 111 with alanine.
Molecular consequence: missense variant. On other transcripts: non-coding transcript variant (1).
Genome position (GRCh38, 1-based): chr5:114,362,470, T>G. VCF-style: chr5-114362470-T-G. GRCh37 (hg19) VCF-style: chr5-113698167-T-G.
Other names: c.529T>G, p.Ser177Ala (NM_001372233.1); short protein forms S111A, S177A.
Identifiers: ClinVar variation 3241976 (VCV003241976.1), dbSNP rs2531550732.
Genomic context (GRCh38, chr5:114,362,470, plus strand): 5'-CGCACCTCCTCGCCCGGCGGCGCCTTCCGGACCCGCACCTCCTCGCCGCTGTCGGGCTCG[T>G]CCTGCTGCTGCTGCTGCTGCTCGTCGCGCCGGGGCAGCCAGCTCAATGTGAGCGAGCTGA-3'
Protein context (NP_067627.3, residues 101-121): TRTSSPLSGS[Ser111Ala]CCCCCCSSRR

ClinVar aggregate classification (germline): Uncertain significance (1 of 4 stars; one submission).

Conditions:
Neurodevelopmental disorder with or without variable movement or behavioral abnormalities (NEDMAB). Identifiers: MedGen C5676908, MONDO:0859225, OMIM 619725.

Submission:

Neuberg Centre For Genomic Medicine, NCGM
Classification: Uncertain significance for Neurodevelopmental disorder with or without variable movement or behavioral abnormalities. Review status: criteria provided, single submitter. Criteria: ACMG Guidelines, 2015. Collection method: clinical testing. Allele origin: germline. Inheritance: Autosomal dominant inheritance. Affected: yes.
Comment: The missense c.331T>G(p.Ser111Ala) variant in KCNN2 gene has not been reported previously as a pathogenic variant nor as a benign variant, to our knowledge. This variant is absent in gnomAD Exomes and 1000 Genomes. The amino acid Ser at position 111 is changed to a Ala changing protein sequence and it might alter its composition and physico-chemical properties. The amino acid change p.Ser111Ala in KCNN2 is predicted as conserved by GERP++ and PhyloP across 100 vertebrates. The variant is predicted as damaging by SIFT. For these reasons, this variant has been classified as Uncertain Significance.